The following is an entry in ClinVar:

NM_000540.3(RYR1):c.7635G>C (p.Glu2545Asp)

Gene: RYR1 (ryanodine receptor 1; plus strand). Cytogenetic location: 19q13.2.
Variant type: single nucleotide variant.
Coding change: c.7635G>C on transcript NM_000540.3 (MANE Select); coding-DNA position 7635, G replaced by C.
Protein change: p.Glu2545Asp; replaces glutamic acid 2545 with aspartic acid.
Molecular consequence: missense variant.
Genome position (GRCh38, 1-based): chr19:38,502,527, G>C. VCF-style: chr19-38502527-G-C. GRCh37 (hg19) VCF-style: chr19-38993167-G-C.
Other names: c.7635G>C, p.Glu2545Asp (NM_001042723.2); short protein forms E2545D.
Identifiers: ClinVar variation 65933 (VCV000065933.6), dbSNP rs193922820, ClinGen allele CA024839.

ClinVar aggregate classification (germline): Uncertain significance. Review status: criteria provided, single submitter (1 of 4 stars). 3 submissions from 3 submitters: Uncertain significance (1). 2 of the submissions do not count toward it. Last evaluated 2022-05-27.

Conditions:
RYR1-related disorder. Also called: RYR1-related condition; RYR1-related disorders. Identifiers: MedGen CN239331.
Central core myopathy (CMYO1A). Also called: Central core disease; Myopathy, central fibrillar; CONGENITAL MYOPATHY 1A, AUTOSOMAL DOMINANT, WITH SUSCEPTIBILITY TO MALIGNANT HYPERTHERMIA. Identifiers: Orphanet 597, MedGen C5830701, MONDO:0007294, OMIM 117000.

Allele frequency attached by ClinVar (database versions not stated): ExAC 0.00001.
gnomAD v4.1: 6 of 1,608,922 alleles (0.00037%); highest among the groups gnomAD compares: East Asian, 0.013%; no homozygotes.

Submissions (3):

Labcorp Genetics (formerly Invitae), Labcorp
Classification: Uncertain significance for RYR1-related disorder. Last evaluated: 2022-05-27. Review status: criteria provided, single submitter. Criteria: Invitae Variant Classification Sherloc (09022015). Collection method: clinical testing. Allele origin: germline.
Comment: This variant is present in population databases (rs193922820, gnomAD 0.006%). In summary, the available evidence is currently insufficient to determine the role of this variant in disease. Therefore, it has been classified as a Variant of Uncertain Significance. Advanced modeling of protein sequence and biophysical properties (such as structural, functional, and spatial information, amino acid conservation, physicochemical variation, residue mobility, and thermodynamic stability) performed at Invitae indicates that this missense variant is not expected to disrupt RYR1 protein function. ClinVar contains an entry for this variant (Variation ID: 65933). This missense change has been observed in individual(s) with central core disease (PMID: 16621918). This sequence change replaces glutamic acid, which is acidic and polar, with aspartic acid, which is acidic and polar, at codon 2545 of the RYR1 protein (p.Glu2545Asp).

GeneReviews
Classification: Pathogenic for Central Core Disease. Last evaluated: 2010-05-11. Review status: no assertion criteria provided. Collection method: curation. Allele origin: unknown. Not counted in ClinVar's aggregate classification.
ClinVar note: Converted during submission from pathologic to Pathogenic.

RYR1 database
No classification provided. Review status: no classification provided. Collection method: not provided. Allele origin: unknown. Not counted in ClinVar's aggregate classification.

Literature cited by the submitters: PubMed 16621918 (cited by Labcorp Genetics (formerly Invitae), Labcorp).